The following is an entry in ClinVar:

ClinVar aggregate classification (germline): Pathogenic. Review status: criteria provided, multiple submitters, no conflicts (2 of 4 stars). 4 submissions from 4 submitters: Pathogenic (2). 2 of the submissions do not count toward it. Last evaluated 2023-06-14.

Conditions:
Tuberous sclerosis 2 (TSC2). Identifiers: Orphanet 805, MedGen C1860707, MONDO:0013199, OMIM 613254.
Hereditary cancer-predisposing syndrome. Also called: Neoplastic Syndromes, Hereditary; Tumor predisposition; Hereditary Cancer Syndrome; Hereditary neoplastic syndrome. Identifiers: Orphanet 140162, MedGen C0027672, MeSH D009386, MONDO:0015356.
Tuberous sclerosis syndrome (TSC). Also called: Tuberous Sclerosis Complex; Tuberous sclerosis. Identifiers: Orphanet 805, MedGen C0041341, MONDO:0001734.

Submissions (4):

Labcorp Genetics (formerly Invitae), Labcorp
Classification: Pathogenic for Tuberous sclerosis 2. Last evaluated: 2023-06-14. Review status: criteria provided, single submitter. Criteria: Invitae Variant Classification Sherloc (09022015). Collection method: clinical testing. Allele origin: germline.
Comment: Disruption of this splice site has been observed in individual(s) with tuberous sclerosis complex (PMID: 20633017, 28065512). This sequence change affects an acceptor splice site in intron 19 of the TSC2 gene. It is expected to disrupt RNA splicing. Variants that disrupt the donor or acceptor splice site typically lead to a loss of protein function (PMID: 16199547), and loss-of-function variants in TSC2 are known to be pathogenic (PMID: 10205261, 17304050). This variant is not present in population databases (gnomAD no frequency). ClinVar contains an entry for this variant (Variation ID: 49731). Algorithms developed to predict the effect of sequence changes on RNA splicing suggest that this variant may disrupt the consensus splice site. For these reasons, this variant has been classified as Pathogenic.

Ambry Genetics
Classification: Pathogenic for Hereditary cancer-predisposing syndrome. Last evaluated: 2017-10-09. Review status: criteria provided, single submitter. Criteria: Ambry Variant Classification Scheme 2023. Collection method: clinical testing. Allele origin: germline.
Comment: The c.2098-2A>G intronic pathogenic mutation results from an A to G substitution two nucleotides upstream from coding exon 19 in the TSC2 gene. This alteration has been reported in the literature in an individual with a clinical diagnosis of tuberous sclerosis complex (Cai Y et al. Urology, 2017 Mar;101:170.e1-170.e7). In addition to the clinical data presented in the literature, alterations that disrupt the canonical splice site are expected to cause aberrant splicing, resulting in an abnormal protein or a transcript that is subject to nonsense-mediated mRNA decay. As such, this alteration is classified as a disease-causing mutation.

Institute Of Reproduction And Development, Obstetrics and Gynecology Hospital, Fudan University
Classification: Likely pathogenic for Tuberous sclerosis 2. Last evaluated: 2021-06-24. Review status: no assertion criteria provided. Collection method: research. Allele origin: germline. Affected: yes. Not counted in ClinVar's aggregate classification.

Tuberous sclerosis database (TSC2)
No classification provided. Condition: TSC. Review status: no classification provided. Criteria: Tuberous Sclerosis Database Assertion Criteria 2015. Collection method: curation. Allele origin: germline. Affected: yes. Not counted in ClinVar's aggregate classification.

Literature cited by the submitters: PubMed 20633017 (cited by Labcorp Genetics (formerly Invitae), Labcorp); PubMed 28065512 (cited by Labcorp Genetics (formerly Invitae), Labcorp and Ambry Genetics); PubMed 16199547 (cited by Labcorp Genetics (formerly Invitae), Labcorp); PubMed 10205261 (cited by Labcorp Genetics (formerly Invitae), Labcorp); PubMed 17304050 (cited by Labcorp Genetics (formerly Invitae), Labcorp); PubMed 15798777 (cited by Ambry Genetics).

NM_000548.5(TSC2):c.2098-2A>G

Gene: TSC2 (TSC complex subunit 2; plus strand). Cytogenetic location: 16p13.3.
Variant type: single nucleotide variant.
Coding change: c.2098-2A>G on transcript NM_000548.5 (MANE Select); the canonical splice acceptor site of the intron before coding-DNA position 2098, A replaced by G.
Molecular consequence: splice acceptor variant. On other transcripts: non-coding transcript variant (2).
Genome position (GRCh38, 1-based): chr16:2,072,239, A>G. VCF-style: chr16-2072239-A-G. GRCh37 (hg19) VCF-style: chr16-2122240-A-G.
Other names: c.754-2A>G (NM_001406693.1, NM_001406689.1, NM_001406690.1 and 6 more transcripts); c.2188-2A>G (NM_001406667.1, NM_001406668.1); c.1498-2A>G (NM_001406680.1, NM_001406683.1, NM_001406687.1 and 6 more transcripts); c.496-2A>G (NM_001406698.1); c.2098-2A>G (NM_001114382.3, NM_001406663.1, NM_001406664.1 and 6 more transcripts); c.2086-2A>G (NM_001406671.1, NM_001406673.1); c.1636-2A>G (NM_001406681.1); c.1987-2A>G (NM_001406670.1, NM_001318827.2, NM_001406678.1); and 3 more.
Identifiers: ClinVar variation 49731 (VCV000049731.8), dbSNP rs45501596, ClinGen allele CA016720.